The following is an entry in ClinVar:

ClinVar aggregate classification (germline): Likely benign (1 of 4 stars; one submission).

gnomAD v4.1: 5 of 1,612,084 alleles (0.00031%); highest among the groups gnomAD compares: South Asian, 0.0055%; no homozygotes.

Submission:

Mayo Clinic Laboratories, Mayo Clinic
Classification: Likely benign. Last evaluated: 2025-03-05. Review status: criteria provided, single submitter. Criteria: ACMG Guidelines, 2015. Collection method: clinical testing. Allele origin: germline. Observed: 1 variant allele.
Comment: BP4, BP7

NM_004736.4(XPR1):c.63G>A (p.Gln21=)

Gene: XPR1 (xenotropic and polytropic retrovirus receptor 1; plus strand). Cytogenetic location: 1q25.3.
Variant type: single nucleotide variant.
Coding change: c.63G>A on transcript NM_004736.4 (MANE Select); coding-DNA position 63, G replaced by A.
Protein change: p.Gln21=; no amino-acid change (glutamine 21 retained).
Molecular consequence: synonymous variant. On other transcripts: non-coding transcript variant (1).
Genome position (GRCh38, 1-based): chr1:180,632,264, G>A. VCF-style: chr1-180632264-G-A. GRCh37 (hg19) VCF-style: chr1-180601400-G-A.
Other names: p.Gln21=; c.63G>A, p.Gln21= (NM_001135669.2, NM_001328662.2).
Identifiers: ClinVar variation 4683834 (VCV004683834.1).